The following is an entry in ClinVar:

ClinVar aggregate classification (germline): Conflicting classifications of pathogenicity. Review status: criteria provided, conflicting classifications (1 of 4 stars). 2 submissions from 2 submitters: Likely pathogenic (1); Uncertain significance (1). Last evaluated 2025-11-21.

Conditions:
Cardiovascular phenotype. Identifiers: MedGen CN230736.
Dilated cardiomyopathy 1DD (CMD1DD). Identifiers: Orphanet 154, MedGen C2750995, MONDO:0013168, OMIM 613172.

Submissions (2):

Labcorp Genetics (formerly Invitae), Labcorp
Classification: Likely pathogenic for Dilated cardiomyopathy 1DD. Last evaluated: 2025-11-21. Review status: criteria provided, single submitter. Criteria: Invitae Variant Classification Sherloc (09022015). Collection method: clinical testing. Allele origin: germline.
Comment: This sequence change affects an acceptor splice site in intron 8 of the RBM20 gene. It is expected to disrupt RNA splicing. Variants that disrupt the donor or acceptor splice site typically lead to a loss of protein function (PMID: 16199547), and loss-of-function variants in RBM20 are known to be pathogenic (PMID: 20590677, 22004663, 38288598, 38510713, 40339755). This variant is not present in population databases (gnomAD no frequency). This variant has not been reported in the literature in individuals affected with RBM20-related conditions. ClinVar contains an entry for this variant (Variation ID: 2449376). Algorithms developed to predict the effect of sequence changes on RNA splicing suggest that this variant may disrupt the consensus splice site. In summary, the currently available evidence indicates that the variant is pathogenic, but additional data are needed to prove that conclusively. Therefore, this variant has been classified as Likely Pathogenic.

Ambry Genetics
Classification: Uncertain significance for Cardiovascular phenotype. Last evaluated: 2022-11-10. Review status: criteria provided, single submitter. Criteria: Ambry Variant Classification Scheme 2023. Collection method: clinical testing. Allele origin: germline.
Comment: The c.1881-2A>G intronic variant results from an A to G substitution two nucleotides before coding exon 9 in the RBM20 gene. In silico splice site analysis predicts that this alteration will weaken the native splice acceptor site. Alterations that disrupt the canonical splice site are expected to cause aberrant splicing, resulting in an abnormal protein or a transcript that is subject to nonsense-mediated mRNA decay. However, loss of function of RBM20 has not been established as a mechanism of disease. Since supporting evidence is limited at this time, the clinical significance of this alteration remains unclear.

Literature cited by the submitters: PubMed 16199547 (cited by Labcorp Genetics (formerly Invitae), Labcorp); PubMed 20590677 (cited by Labcorp Genetics (formerly Invitae), Labcorp); PubMed 22004663 (cited by Labcorp Genetics (formerly Invitae), Labcorp); PubMed 38288598 (cited by Labcorp Genetics (formerly Invitae), Labcorp); PubMed 38510713 (cited by Labcorp Genetics (formerly Invitae), Labcorp); PubMed 40339755 (cited by Labcorp Genetics (formerly Invitae), Labcorp).

NM_001134363.3(RBM20):c.1881-2A>G

Gene: RBM20 (RNA binding motif protein 20; plus strand). Cytogenetic location: 10q25.2.
Variant type: single nucleotide variant.
Coding change: c.1881-2A>G on transcript NM_001134363.3 (MANE Select); the canonical splice acceptor site of the intron before coding-DNA position 1881, A replaced by G.
Molecular consequence: splice acceptor variant.
Genome position (GRCh38, 1-based): chr10:110,812,276, A>G. VCF-style: chr10-110812276-A-G. GRCh37 (hg19) VCF-style: chr10-112572034-A-G.
Identifiers: ClinVar variation 2449376 (VCV002449376.4), dbSNP rs2493472668, ClinGen allele CA378370199.
Genomic context (GRCh38, chr10:110,812,276, plus strand): 5'-TGTGGGTGGGGTGGGATGGGAGGTGTGAAGATTCTAAATCCTGCTCCTTGGCTCCCTCAC[A>G]GATATGGCCCAGAAAGGCCGCGGTCTCGTAGTCCGGTGAGCCGGTCACTCTCCCCGAGGT-3'